The following is an entry in ClinVar:

NM_002025.4(AFF2):c.3203+1G>A

Gene: AFF2 (ALF transcription elongation factor 2; plus strand). Cytogenetic location: Xq28.
Variant type: single nucleotide variant.
Coding change: c.3203+1G>A on transcript NM_002025.4 (MANE Select); the canonical splice donor site of the intron after coding-DNA position 3203, G replaced by A.
Molecular consequence: splice donor variant.
Genome position (GRCh38, 1-based): chrX:148,967,080, G>A. VCF-style: chrX-148967080-G-A. GRCh37 (hg19) VCF-style: chrX-148048610-G-A.
Other names: c.3098+1G>A (NM_001169124.2, NM_001169122.2); c.3173+1G>A (NM_001169123.2); c.3086+1G>A (NM_001169125.2); c.2126+1G>A (NM_001170628.1).
Identifiers: ClinVar variation 985612 (VCV000985612.5), dbSNP rs2072188268, ClinGen allele CA414512442.
Genomic context (GRCh38, chrX:148,967,080, plus strand): 5'-GCCCCTTCTATCCAGCAGCAGCACTAATGTCCGGAGACCCAAGCTCACTTTTGATGACTC[G>A]TATGTTGTTCCAGATTATCATGGACAGTTTGGAGTAGTGAATGGGGGGTGGGGGTAGCAT-3'

ClinVar aggregate classification (germline): Likely pathogenic (1 of 4 stars; one submission).

Conditions:
Inborn genetic diseases. Identifiers: MedGen C0950123, MeSH D030342.

Submission:

Ambry Genetics
Classification: Likely pathogenic for Inborn genetic diseases. Last evaluated: 2020-04-15. Review status: criteria provided, single submitter. Criteria: Ambry Variant Classification Scheme 2023. Collection method: clinical testing. Allele origin: germline.
Comment: The alteration is predicted to abolish the native donor splice site: _x000D_ _x000D_ The c.3203+1G>A intronic alteration results from a G to A substitution one nucleotide after coding exon 14 of the AFF2 gene. Based on BDGP and ESEfinder splice site in silico tools, this alteration is predicted to abolish the native splice donor site; however, direct evidence is unavailable. Alterations that disrupt the canonical splice site are expected to cause aberrant splicing, resulting in an abnormal protein or a transcript that is subject to nonsense-mediated mRNA decay (Maquat, 2004). The alteration is not observed in population databases: _x000D_ _x000D_ Based on data from the Genome Aggregation Database (gnomAD), the AFF2 c.3203+1G>A alteration was not observed, with coverage at this position. The altered nucleotide is conserved throughout evolution:_x000D_ _x000D_ The c.3203+1G nucleotide is conserved in available vertebrate species. Based on the available evidence, this alteration is classified as likely pathogenic.